The following is an entry in ClinVar:

NM_002294.3(LAMP2):c.65-6A>G

Gene: LAMP2 (lysosome associated membrane protein 2; minus strand). Cytogenetic location: Xq24.
Variant type: single nucleotide variant.
Coding change: c.65-6A>G on transcript NM_002294.3 (MANE Select); 6 bases into the intron before coding-DNA position 65, A replaced by G.
Molecular consequence: intron variant.
Genome position (GRCh38, 1-based): chrX:120,456,775, T>C on the plus strand (A>G on the coding strand, the complement: LAMP2 is on the minus strand). VCF-style: chrX-120456775-T-C. GRCh37 (hg19) VCF-style: chrX-119590630-T-C.
Other names: c.65-6A>G (NM_001122606.1, NM_013995.2).
Identifiers: ClinVar variation 956479 (VCV000956479.9), dbSNP rs1921113552, ClinGen allele CA1139667766.

ClinVar aggregate classification (germline): Uncertain significance (1 of 4 stars; one submission).

Conditions:
Danon disease. Also called: Glycogen Storage Disease Type IIb; PSEUDOGLYCOGENOSIS II; GSD IIb; LYSOSOMAL GLYCOGEN STORAGE DISEASE WITHOUT ACID MALTASE DEFICIENCY; ANTOPOL DISEASE. Identifiers: Orphanet 34587, MedGen C0878677, MONDO:0010281, OMIM 300257.

Submission:

Labcorp Genetics (formerly Invitae), Labcorp
Classification: Uncertain significance for Danon disease. Last evaluated: 2019-08-12. Review status: criteria provided, single submitter. Criteria: Invitae Variant Classification Sherloc (09022015). Collection method: clinical testing. Allele origin: germline.
Comment: This sequence change falls in intron 1 of the LAMP2 gene. It does not directly change the encoded amino acid sequence of the LAMP2 protein. This variant is not present in population databases (ExAC no frequency). This variant has not been reported in the literature in individuals with LAMP2-related conditions. Algorithms developed to predict the effect of sequence changes on RNA splicing suggest that this variant may disrupt the consensus splice site, but this prediction has not been confirmed by published transcriptional studies. In summary, the available evidence is currently insufficient to determine the role of this variant in disease. Therefore, it has been classified as a Variant of Uncertain Significance.